The following is an entry in ClinVar:

NM_002206.3(ITGA7):c.3355G>A (p.Ala1119Thr)

Gene: ITGA7 (integrin subunit alpha 7; minus strand). Cytogenetic location: 12q13.2.
Variant type: single nucleotide variant.
Coding change: c.3355G>A on transcript NM_002206.3 (MANE Select); coding-DNA position 3355, G replaced by A.
Protein change: p.Ala1119Thr; replaces alanine 1119 with threonine.
Molecular consequence: missense variant.
Genome position (GRCh38, 1-based): chr12:55,685,117, C>T on the plus strand (G>A on the coding strand, the complement: ITGA7 is on the minus strand). VCF-style: chr12-55685117-C-T. GRCh37 (hg19) VCF-style: chr12-56078901-C-T.
Other names: c.3367G>A, p.Ala1123Thr (NM_001144996.2); c.3076G>A, p.Ala1026Thr (NM_001144997.2); c.3028G>A, p.Ala1010Thr (NM_001367993.1); c.2011G>A, p.Ala671Thr (NM_001367994.1); c.3337G>A, p.Ala1113Thr (NM_001374465.1); c.3487G>A, p.Ala1163Thr (NM_001410977.1); c.3349G>A, p.Ala1117Thr (NM_001414029.1); c.3280G>A, p.Ala1094Thr (NM_001414030.1); and 5 more; short protein forms A1044T, A1113T, A1119T, A1163T, A1010T, A1079T, A1090T, A1094T.
Identifiers: ClinVar variation 1946520 (VCV001946520.5), dbSNP rs1287574379, ClinGen allele CA385180071.

ClinVar aggregate classification (germline): Uncertain significance (1 of 4 stars; one submission).

Conditions:
Congenital muscular dystrophy due to integrin alpha-7 deficiency. Also called: Congenital muscular dystrophy with integrin alpha-7 deficiency; Muscular dystrophy, congenital, due to ITGA7 deficiency; MYOPATHY, CONGENITAL, DUE TO INTEGRIN ALPHA-7 DEFICIENCY. Identifiers: Orphanet 34520, MedGen C2750786, MONDO:0013177, OMIM 613204.

Allele frequency attached by ClinVar (database versions not stated): TOPMed below 0.00001; gnomAD 0.00001.
gnomAD v4.1: 2 of 1,611,870 alleles (0.00012%); highest among the groups gnomAD compares: South Asian, 0.0011%; no homozygotes.

Submission:

Labcorp Genetics (formerly Invitae), Labcorp
Classification: Uncertain significance for Congenital muscular dystrophy due to integrin alpha-7 deficiency. Last evaluated: 2022-01-28. Review status: criteria provided, single submitter. Criteria: Invitae Variant Classification Sherloc (09022015). Collection method: clinical testing. Allele origin: germline.
Comment: Algorithms developed to predict the effect of missense changes on protein structure and function (SIFT, PolyPhen-2, Align-GVGD) all suggest that this variant is likely to be tolerated. This variant has not been reported in the literature in individuals affected with ITGA7-related conditions. The frequency data for this variant in the population databases is considered unreliable, as metrics indicate poor data quality at this position in the gnomAD database. This sequence change replaces alanine, which is neutral and non-polar, with threonine, which is neutral and polar, at codon 1119 of the ITGA7 protein (p.Ala1119Thr). In summary, the available evidence is currently insufficient to determine the role of this variant in disease. Therefore, it has been classified as a Variant of Uncertain Significance.